The following is an entry in ClinVar:

ClinVar aggregate classification (germline): Pathogenic (1 of 4 stars; one submission).

Conditions:
Neurofibromatosis, type 1 (NF1). Also called: VON RECKLINGHAUSEN DISEASE; Peripheral type neurofibromatosis; NEUROFIBROMATOSIS, TYPE I, SOMATIC; Neurofibromatosis, type I. Identifiers: Orphanet 636, MedGen C0027831, MONDO:0018975, OMIM 162200. Disease mechanism: loss of function.

Submission:

Labcorp Genetics (formerly Invitae), Labcorp
Classification: Pathogenic for Neurofibromatosis, type 1. Last evaluated: 2025-04-17. Review status: criteria provided, single submitter. Criteria: Invitae Variant Classification Sherloc (09022015). Collection method: clinical testing. Allele origin: germline.
Comment: This sequence change creates a premature translational stop signal (p.Glu126Lysfs*39) in the NF1 gene. It is expected to result in an absent or disrupted protein product. Loss-of-function variants in NF1 are known to be pathogenic (PMID: 10712197, 23913538). This variant is not present in population databases (gnomAD no frequency). This variant has not been reported in the literature in individuals affected with NF1-related conditions. ClinVar contains an entry for this variant (Variation ID: 1076572). For these reasons, this variant has been classified as Pathogenic.

Literature cited by the submitters: PubMed 10712197; PubMed 23913538.

NM_001042492.3(NF1):c.375del (p.Glu126fs)

Gene: NF1 (neurofibromin 1; plus strand). Cytogenetic location: 17q11.2.
Variant type: Deletion.
Coding change: c.375del on transcript NM_001042492.3 (MANE Select); coding-DNA position 375, one base deleted (T; older notation c.375delT).
Protein change: p.Glu126fs; shifts the reading frame from glutamic acid 126.
Molecular consequence: frameshift variant.
Genome position (GRCh38, 1-based): chr17:31,163,272, T deleted. VCF-style (leftmost placement, unchanged base first): chr17-31163271-GT-G. GRCh37 (hg19) VCF-style: chr17-29490289-GT-G.
Other names: c.375del, p.Glu126fs (NM_001128147.3); c.375delT, p.Glu126Lysfs (NM_000267.4); short protein forms E126fs.
Identifiers: ClinVar variation 1076572 (VCV001076572.5), dbSNP rs2143672014, ClinGen allele CA2499223982.